The following is an entry in ClinVar:

NM_001042492.3(NF1):c.6742G>T (p.Ala2248Ser)

Gene: NF1 (neurofibromin 1; plus strand). Cytogenetic location: 17q11.2.
Variant type: single nucleotide variant.
Coding change: c.6742G>T on transcript NM_001042492.3 (MANE Select); coding-DNA position 6742, G replaced by T.
Protein change: p.Ala2248Ser; replaces alanine 2248 with serine.
Molecular consequence: missense variant.
Genome position (GRCh38, 1-based): chr17:31,338,062, G>T. VCF-style: chr17-31338062-G-T. GRCh37 (hg19) VCF-style: chr17-29665080-G-T.
Other names: c.6679G>T, p.Ala2227Ser (NM_000267.4); short protein forms A2227S, A2248S.
Identifiers: ClinVar variation 4800795 (VCV004800795.1).

ClinVar aggregate classification (germline): Uncertain significance (1 of 4 stars; one submission).

Conditions:
Neurofibromatosis, type 1 (NF1). Also called: VON RECKLINGHAUSEN DISEASE; Neurofibromatosis, type I; NEUROFIBROMATOSIS, TYPE I, SOMATIC; Peripheral type neurofibromatosis. Identifiers: Orphanet 636, MedGen C0027831, MONDO:0018975, OMIM 162200. Disease mechanism: loss of function.

Submission:

Labcorp Genetics (formerly Invitae), Labcorp
Classification: Uncertain significance for Neurofibromatosis, type 1. Last evaluated: 2025-07-16. Review status: criteria provided, single submitter. Criteria: Invitae Variant Classification Sherloc (09022015). Collection method: clinical testing. Allele origin: germline.
Comment: This sequence change replaces alanine, which is neutral and non-polar, with serine, which is neutral and polar, at codon 2227 of the NF1 protein (p.Ala2227Ser). This variant is not present in population databases (gnomAD no frequency). This variant has not been reported in the literature in individuals affected with NF1-related conditions. Invitae Evidence Modeling of protein sequence and biophysical properties (such as structural, functional, and spatial information, amino acid conservation, physicochemical variation, residue mobility, and thermodynamic stability) indicates that this missense variant is expected to disrupt NF1 protein function with a positive predictive value of 95%. In summary, the available evidence is currently insufficient to determine the role of this variant in disease. Therefore, it has been classified as a Variant of Uncertain Significance.